The following is an entry in ClinVar:

ClinVar aggregate classification (germline): Likely benign. Review status: criteria provided, multiple submitters, no conflicts (2 of 4 stars). 2 submissions from 2 submitters: Likely benign (2). Last evaluated 2024-11-27.

Conditions:
NRP1-related disorder. Also called: NRP1-related condition.

Allele frequency attached by ClinVar (database versions not stated): gnomAD exomes 0.00002; ExAC 0.00007; 1000 Genomes Project 30x 0.00016; ESP Exome Variant Server 0.00016; gnomAD 0.00017; TOPMed 0.00019.
gnomAD v4.1: 55 of 1,545,652 alleles (0.0036%); highest among the groups gnomAD compares: African/African-American, 0.07%; no homozygotes.

Submissions (2):

PreventionGenetics, part of Exact Sciences
Classification: Likely benign for NRP1-related condition. Last evaluated: 2024-11-27. Review status: criteria provided, single submitter. Criteria: ACMG Guidelines, 2015. Collection method: clinical testing. Allele origin: germline.
Comment: This variant is classified as likely benign based on ACMG/AMP sequence variant interpretation guidelines (Richards et al. 2015 PMID: 25741868, with internal and published modifications).

Ambry Genetics
Classification: Likely benign. Last evaluated: 2022-12-21. Review status: criteria provided, single submitter. Criteria: Ambry Variant Classification Scheme 2023. Collection method: clinical testing. Allele origin: germline.

NM_003873.7(NRP1):c.44T>C (p.Val15Ala)

Gene: NRP1 (neuropilin 1; minus strand). Cytogenetic location: 10p11.22.
Variant type: single nucleotide variant.
Coding change: c.44T>C on transcript NM_003873.7 (MANE Select); coding-DNA position 44, T replaced by C.
Protein change: p.Val15Ala; replaces valine 15 with alanine.
Molecular consequence: missense variant. On other transcripts: non-coding transcript variant (1).
Genome position (GRCh38, 1-based): chr10:33,334,339, A>G on the plus strand (T>C on the coding strand, the complement: NRP1 is on the minus strand). VCF-style: chr10-33334339-A-G. GRCh37 (hg19) VCF-style: chr10-33623267-A-G.
Other names: c.44T>C, p.Val15Ala (NM_001024628.3, NM_001024629.3, NM_001244972.2 and 2 more transcripts); short protein forms V15A.
Identifiers: ClinVar variation 2211438 (VCV002211438.4), dbSNP rs374322029, ClinGen allele CA5467055.